The following is an entry in ClinVar:

ClinVar aggregate classification (germline): Uncertain significance (1 of 4 stars; one submission).

Conditions:
Familial adenomatous polyposis 1 (FAP1). Also called: FAMILIAL ADENOMATOUS POLYPOSIS 1, ATTENUATED; POLYPOSIS, ADENOMATOUS INTESTINAL. Identifiers: MedGen C2713442, MONDO:0021056, OMIM 175100. Disease mechanism: loss of function.

Allele frequency attached by ClinVar (database versions not stated): gnomAD exomes below 0.00001.
gnomAD v4.1: 1 of 1,613,872 alleles (0.000062%); highest among the groups gnomAD compares: Non-Finnish European, 0.000085%; no homozygotes.

Submission:

Labcorp Genetics (formerly Invitae), Labcorp
Classification: Uncertain significance for Familial adenomatous polyposis 1. Last evaluated: 2023-11-09. Review status: criteria provided, single submitter. Criteria: Invitae Variant Classification Sherloc (09022015). Collection method: clinical testing. Allele origin: germline.
Comment: This sequence change replaces threonine, which is neutral and polar, with isoleucine, which is neutral and non-polar, at codon 2546 of the APC protein (p.Thr2546Ile). This variant is not present in population databases (gnomAD no frequency). This variant has not been reported in the literature in individuals affected with APC-related conditions. Advanced modeling of protein sequence and biophysical properties (such as structural, functional, and spatial information, amino acid conservation, physicochemical variation, residue mobility, and thermodynamic stability) performed at Invitae indicates that this missense variant is not expected to disrupt APC protein function with a negative predictive value of 95%. In summary, the available evidence is currently insufficient to determine the role of this variant in disease. Therefore, it has been classified as a Variant of Uncertain Significance.

NM_000038.6(APC):c.7637C>T (p.Thr2546Ile)

Gene: APC (APC regulator of Wnt signaling pathway; plus strand). Cytogenetic location: 5q22.2.
Variant type: single nucleotide variant.
Coding change: c.7637C>T on transcript NM_000038.6 (MANE Select); coding-DNA position 7637, C replaced by T.
Protein change: p.Thr2546Ile; replaces threonine 2546 with isoleucine.
Molecular consequence: missense variant. On other transcripts: non-coding transcript variant (2).
Genome position (GRCh38, 1-based): chr5:112,843,231, C>T. VCF-style: chr5-112843231-C-T. GRCh37 (hg19) VCF-style: chr5-112178928-C-T.
Other names: c.7637C>T, p.Thr2546Ile (NM_001127510.3, NM_001354895.2, NM_001407450.1); c.7583C>T, p.Thr2528Ile (NM_001127511.3); c.7691C>T, p.Thr2564Ile (NM_001354896.2, NM_001407447.1, NM_001407448.1 and 1 more transcripts); c.7667C>T, p.Thr2556Ile (NM_001354897.2); c.7562C>T, p.Thr2521Ile (NM_001354898.2); c.7553C>T, p.Thr2518Ile (NM_001354899.2); c.7514C>T, p.Thr2505Ile (NM_001354900.2); c.7460C>T, p.Thr2487Ile (NM_001354901.2, NM_001407453.1); and 11 more; short protein forms T2263I, T2386I, T2420I, T2445I, T2505I, T2536I, T2564I, T2417I.
Identifiers: ClinVar variation 2843321 (VCV002843321.3), dbSNP rs2149991051, ClinGen allele CA16037920.
Genomic context (GRCh38, chr5:112,843,231, plus strand): 5'-ATGATATTGCACGGTCTCATTCTGAAAGTCCTTCTAGACTTCCAATCAATAGGTCAGGAA[C>T]CTGGAAACGTGAGCACAGCAAACATTCATCATCCCTTCCTCGAGTAAGCACTTGGAGAAG-3'
Protein context (NP_000029.2, residues 2536-2556): PSRLPINRSG[Thr2546Ile]WKREHSKHSS